The following is an entry in ClinVar:

ClinVar aggregate classification (germline): Uncertain significance (1 of 4 stars; one submission).

gnomAD v4.1: 1 of 1,613,984 alleles (0.000062%); highest among the groups gnomAD compares: Non-Finnish European, 0.000085%; no homozygotes.

Submission:

GeneDx
Classification: Uncertain significance. Last evaluated: 2024-06-16. Review status: criteria provided, single submitter. Criteria: GeneDx Variant Classification Process June 2021. Collection method: clinical testing. Allele origin: germline. Affected: yes.
Comment: Not observed at significant frequency in large population cohorts (gnomAD); In silico analysis indicates that this missense variant does not alter protein structure/function; Has not been previously published as pathogenic or benign to our knowledge

NM_002655.3(PLAG1):c.899G>A (p.Ser300Asn)

Genes: PLAG1 (PLAG1 zinc finger; minus strand), LOC126860395 (BRD4-independent group 4 enhancer GRCh37_chr8:57079228-57080427; plus strand). Cytogenetic location: 8q12.1.
Variant type: single nucleotide variant.
Coding change: c.899G>A on transcript NM_002655.3 (MANE Select); coding-DNA position 899, G replaced by A.
Protein change: p.Ser300Asn; replaces serine 300 with asparagine.
Molecular consequence: missense variant.
Genome position (GRCh38, 1-based): chr8:56,166,847, C>T on the plus strand (G>A on the coding strand, the complement: PLAG1 is on the minus strand). VCF-style: chr8-56166847-C-T. GRCh37 (hg19) VCF-style: chr8-57079406-C-T.
Other names: c.899G>A, p.Ser300Asn (NM_001114634.2); c.653G>A, p.Ser218Asn (NM_001114635.2); short protein forms S218N, S300N.
Identifiers: ClinVar variation 3390554 (VCV003390554.1).
Genomic context (GRCh38, chr8:56,166,847, plus strand): 5'-TCTATTGGGCATGTCATTCCCAAAGGTAAAGTTGTGATCATTTGGTGGGCAGATCCCGAG[C>T]TCTGCATGGACTGAAATGGAGTGTTGTAGAGGTTTAACTGCAAAGTGTTTGTGAATGGCT-3'
Protein context (NP_002646.2, residues 290-310): LYNTPFQSMQ[Ser300Asn]SGSAHQMITT